The following is an entry in ClinVar:

NM_014000.3(VCL):c.1854T>G (p.Asp618Glu)

Gene: VCL (vinculin; plus strand). Cytogenetic location: 10q22.2.
Variant type: single nucleotide variant.
Coding change: c.1854T>G on transcript NM_014000.3 (MANE Select); coding-DNA position 1854, T replaced by G.
Protein change: p.Asp618Glu; replaces aspartic acid 618 with glutamic acid.
Molecular consequence: missense variant.
Genome position (GRCh38, 1-based): chr10:74,097,314, T>G. VCF-style: chr10-74097314-T-G. GRCh37 (hg19) VCF-style: chr10-75857072-T-G.
Other names: c.1854T>G, p.Asp618Glu (NM_003373.4); short protein forms D618E.
Identifiers: ClinVar variation 1518714 (VCV001518714.6), dbSNP rs2131918422, ClinGen allele CA377276877.

ClinVar aggregate classification (germline): Uncertain significance (1 of 4 stars; one submission).

Conditions:
Dilated cardiomyopathy 1W (CMD1W). Identifiers: Orphanet 154, MedGen C1969639, MONDO:0012667, OMIM 611407.

Allele frequency attached by ClinVar (database versions not stated): gnomAD exomes below 0.00001.
gnomAD v4.1: 1 of 1,613,712 alleles (0.000062%); highest among the groups gnomAD compares: Non-Finnish European, 0.000085%; no homozygotes.

Submission:

Labcorp Genetics (formerly Invitae), Labcorp
Classification: Uncertain significance for Dilated cardiomyopathy 1W. Last evaluated: 2021-09-21. Review status: criteria provided, single submitter. Criteria: Invitae Variant Classification Sherloc (09022015). Collection method: clinical testing. Allele origin: germline.
Comment: This sequence change replaces aspartic acid with glutamic acid at codon 618 of the VCL protein (p.Asp618Glu). The aspartic acid residue is highly conserved and there is a small physicochemical difference between aspartic acid and glutamic acid. This variant is not present in population databases (ExAC no frequency). This variant has not been reported in the literature in individuals affected with VCL-related conditions. Algorithms developed to predict the effect of missense changes on protein structure and function are either unavailable or do not agree on the potential impact of this missense change (SIFT: "Not Available"; PolyPhen-2: "Benign"; Align-GVGD: "Not Available"). In summary, the available evidence is currently insufficient to determine the role of this variant in disease. Therefore, it has been classified as a Variant of Uncertain Significance.